The following is an entry in ClinVar:

NM_000368.5(TSC1):c.542A>G (p.His181Arg)

Gene: TSC1 (TSC complex subunit 1; minus strand). Cytogenetic location: 9q34.13.
Variant type: single nucleotide variant.
Coding change: c.542A>G on transcript NM_000368.5 (MANE Select); coding-DNA position 542, A replaced by G.
Protein change: p.His181Arg; replaces histidine 181 with arginine.
Molecular consequence: missense variant.
Genome position (GRCh38, 1-based): chr9:132,921,940, T>C on the plus strand (A>G on the coding strand, the complement: TSC1 is on the minus strand). VCF-style: chr9-132921940-T-C. GRCh37 (hg19) VCF-style: chr9-135797327-T-C.
Other names: c.542A>G, p.His181Arg (NM_001162426.2); c.389A>G, p.His130Arg (NM_001162427.2); c.179A>G, p.His60Arg (NM_001362177.2); short protein forms H130R, H181R, H60R.
Identifiers: ClinVar variation 706708 (VCV000706708.16), dbSNP rs397515294, ClinGen allele CA038042.

ClinVar aggregate classification (germline): Conflicting classifications of pathogenicity. Review status: criteria provided, conflicting classifications (1 of 4 stars). 6 submissions from 6 submitters: Uncertain significance (4); Likely benign (2). Last evaluated 2026-01-26.

Conditions:
Tuberous sclerosis syndrome (TSC). Also called: Tuberous Sclerosis Complex; Tuberous sclerosis. Identifiers: Orphanet 805, MedGen C0041341, MONDO:0001734.
Hereditary cancer-predisposing syndrome. Also called: Tumor predisposition; Hereditary neoplastic syndrome; Neoplastic Syndromes, Hereditary; Hereditary Cancer Syndrome. Identifiers: Orphanet 140162, MedGen C0027672, MeSH D009386, MONDO:0015356.
Tuberous sclerosis 1 (TSC1). Identifiers: Orphanet 805, MedGen C1854465, MONDO:0008612, OMIM 191100.

gnomAD v4.1: 23 of 1,614,122 alleles (0.0014%); highest among the groups gnomAD compares: Non-Finnish European, 0.0019%; no homozygotes.

Submissions (6):

Labcorp Genetics (formerly Invitae), Labcorp
Classification: Likely benign for Tuberous sclerosis 1. Last evaluated: 2026-01-26. Review status: criteria provided, single submitter. Criteria: Invitae Variant Classification Sherloc (09022015). Collection method: clinical testing. Allele origin: germline.

Myriad Genetics, Inc.
Classification: Likely benign for Tuberous sclerosis 1. Last evaluated: 2025-04-08. Review status: criteria provided, single submitter. Criteria: Myriad Autosomal Dominant, Autosomal Recessive and X-Linked Classification Criteria (2023). Collection method: clinical testing. Allele origin: unknown.
Comment: This variant is considered likely benign. This variant has been observed at a population frequency that is significantly greater than expected given the associated disease prevalence and penetrance.

Ambry Genetics
Classification: Uncertain significance for Hereditary cancer-predisposing syndrome. Last evaluated: 2023-11-27. Review status: criteria provided, single submitter. Criteria: Ambry Variant Classification Scheme 2023. Collection method: clinical testing. Allele origin: germline.
Comment: The p.H181R variant (also known as c.542A>G), located in coding exon 5 of the TSC1 gene, results from an A to G substitution at nucleotide position 542. The histidine at codon 181 is replaced by arginine, an amino acid with highly similar properties. This amino acid position is highly conserved in available vertebrate species. In addition, this alteration is predicted to be deleterious by in silico analysis. Since supporting evidence is limited at this time, the clinical significance of this alteration remains unclear.

All of Us Research Program, National Institutes of Health
Classification: Uncertain significance for Tuberous sclerosis syndrome. Last evaluated: 2023-10-27. Review status: criteria provided, single submitter. Criteria: ACMG Guidelines, 2015. Collection method: clinical testing. Allele origin: germline. Inheritance: Autosomal dominant inheritance. Observed: 2 variant alleles, 2 heterozygotes.
Comment: This missense variant replaces histidine with arginine at codon 181 of the TSC1 protein. Computational prediction is inconclusive regarding the impact of this variant on protein structure and function (internally defined REVEL score threshold 0.5 < inconclusive < 0.7, PMID: 27666373). To our knowledge, functional studies have not been reported for this variant. This variant has not been reported in individuals affected with TSC1-related disorders in the literature. This variant has been identified in 7/251426 chromosomes in the general population by the Genome Aggregation Database (gnomAD). The available evidence is insufficient to determine the role of this variant in disease conclusively. Therefore, this variant is classified as a Variant of Uncertain Significance.

This study involves interpretation of variants in research participants for the purpose of population health screening. Participant phenotype was not available at the time of variant classification. Additional details can be found in publication PMID: 35346344, PMCID: PMC8962531

GeneDx
Classification: Uncertain significance. Last evaluated: 2023-08-14. Review status: criteria provided, single submitter. Criteria: GeneDx Variant Classification Process June 2021. Collection method: clinical testing. Allele origin: germline. Affected: yes.
Comment: In silico analysis supports that this missense variant has a deleterious effect on protein structure/function; Has not been previously published as pathogenic or benign to our knowledge

Color Diagnostics, LLC DBA Color Health
Classification: Uncertain significance for Tuberous sclerosis syndrome. Last evaluated: 2023-08-09. Review status: criteria provided, single submitter. Criteria: ACMG Guidelines, 2015. Collection method: clinical testing. Allele origin: germline.
Comment: This missense variant replaces histidine with arginine at codon 181 of the TSC1 protein. Computational prediction is inconclusive regarding the impact of this variant on protein structure and function. To our knowledge, functional studies have not been reported for this variant. This variant has not been reported in individuals affected with TSC1-related disorders in the literature. This variant has been identified in 7/251426 chromosomes in the general population by the Genome Aggregation Database (gnomAD). The available evidence is insufficient to determine the role of this variant in disease conclusively. Therefore, this variant is classified as a Variant of Uncertain Significance.